The following is an entry in ClinVar:

ClinVar aggregate classification (germline): Likely pathogenic (1 of 4 stars; one submission).

Conditions:
Baller-Gerold syndrome (BGS). Also called: CRANIOSYNOSTOSIS WITH RADIAL DEFECTS. Identifiers: Orphanet 1225, MedGen C0265308, MONDO:0009039, OMIM 218600.

Submission:

Labcorp Genetics (formerly Invitae), Labcorp
Classification: Likely pathogenic for Baller-Gerold syndrome. Last evaluated: 2023-06-09. Review status: criteria provided, single submitter. Criteria: Invitae Variant Classification Sherloc (09022015). Collection method: clinical testing. Allele origin: germline.
Comment: In summary, the currently available evidence indicates that the variant is pathogenic, but additional data are needed to prove that conclusively. Therefore, this variant has been classified as Likely Pathogenic. This variant has not been reported in the literature in individuals affected with RECQL4-related conditions. Algorithms developed to predict the effect of sequence changes on RNA splicing suggest that this variant may disrupt the consensus splice site. This variant is not present in population databases (gnomAD no frequency). This variant results in the deletion of part of exon 16 (c.2878_2885+14del) of the RECQL4 gene. It is expected to disrupt RNA splicing. Variants that disrupt the donor or acceptor splice site typically lead to a loss of protein function (PMID: 16199547), and loss-of-function variants in RECQL4 are known to be pathogenic (PMID: 12734318, 12952869).

Literature cited by the submitters: PubMed 16199547; PubMed 12734318; PubMed 12952869.

NM_004260.4(RECQL4):c.2878_2885+14del

Gene: RECQL4 (RecQ like helicase 4; minus strand). Cytogenetic location: 8q24.3.
Variant type: Deletion.
Coding change: c.2878_2885+14del on transcript NM_004260.4 (MANE Select); coding-DNA position 2878 through 14 bases into the intron after coding-DNA position 2885, 22 bases deleted (GCCCACAGGTAAGCACGCCCTG).
Molecular consequence: splice donor variant.
Genome position (GRCh38, 1-based): chr8:144,512,628-144,512,649, CAGGGCGTGCTTACCTGTGGGC deleted on the plus strand (GCCCACAGGTAAGCACGCCCTG on the coding strand, the reverse complement: RECQL4 is on the minus strand); deleting any 22 consecutive bases within chr8:144,512,628-144,512,655 gives the same sequence; the c. name uses the placement nearest the transcript's 3' end. VCF-style (leftmost placement, unchanged base first): chr8-144512627-GCAGGGCGTGCTTACCTGTGGGC-G. GRCh37 (hg19) VCF-style: chr8-145738010-GCAGGGCGTGCTTACCTGTGGGC-G.
Other names: c.2749_2756+14del (NM_001413025.1); c.2527_2534+14del (NM_001413029.1); c.1741_1748+14del (NM_001413032.1, NM_001413027.1, NM_001413030.1); c.1807_1814+14del (NM_001413035.1, NM_001413040.1, NM_001413021.1 and 4 more transcripts); c.2584_2591+14del (NM_001413017.1); c.2782_2789+14del (NM_001413020.1); c.2848_2855+14del (NM_001413039.1); c.2746_2753+14del (NM_001413033.1); and 9 more.
Identifiers: ClinVar variation 3016200 (VCV003016200.3), dbSNP rs2537989491, ClinGen allele CA2689131415.